The following is an entry in ClinVar:

ClinVar aggregate classification (germline): Likely pathogenic (1 of 4 stars; one submission).

Conditions:
Pseudo-Hurler polydystrophy. Also called: ML III; ML III ALPHA/BETA; Type III Mucolipidosis; ML IIIA; Mucolipidosis III Alpha/Beta; MUCOLIPIDOSIS IIIA. Identifiers: Orphanet 423461, Orphanet 577, MedGen C0033788, MONDO:0018931, OMIM 252600.
Mucolipidosis type II. Also called: ML II ALPHA/BETA; Mucolipidosis 2; ML 2; Inclusion cell disease; Leroy Disease; N-acetylglucosamine 1phosphotransferase deficiency. Identifiers: Orphanet 576, MedGen C2673377, MONDO:0009650, OMIM 252500.

Submission:

Labcorp Genetics (formerly Invitae), Labcorp
Classification: Likely pathogenic for Pseudo-Hurler polydystrophy; Mucolipidosis type II. Last evaluated: 2022-10-16. Review status: criteria provided, single submitter. Criteria: Invitae Variant Classification Sherloc (09022015). Collection method: clinical testing. Allele origin: germline.
Comment: This variant results in the deletion of part of exon 10 (c.1114-8_1119del) of the GNPTAB gene. It is expected to disrupt RNA splicing. Variants that disrupt the donor or acceptor splice site typically lead to a loss of protein function (PMID: 16199547), and loss-of-function variants in GNPTAB are known to be pathogenic (PMID: 19617216, 25107912). This variant is not present in population databases (gnomAD no frequency). This variant has not been reported in the literature in individuals affected with GNPTAB-related conditions. ClinVar contains an entry for this variant (Variation ID: 1513009). Algorithms developed to predict the effect of sequence changes on RNA splicing suggest that this variant may disrupt the consensus splice site. In summary, the currently available evidence indicates that the variant is pathogenic, but additional data are needed to prove that conclusively. Therefore, this variant has been classified as Likely Pathogenic.

Literature cited by the submitters: PubMed 16199547; PubMed 19617216; PubMed 25107912.

NM_024312.5(GNPTAB):c.1114-8_1119del

Gene: GNPTAB (N-acetylglucosamine-1-phosphate transferase subunits alpha and beta; minus strand). Cytogenetic location: 12q23.2.
Variant type: Deletion.
Coding change: c.1114-8_1119del on transcript NM_024312.5 (MANE Select); 8 bases into the intron before coding-DNA position 1114 through coding-DNA position 1119, 14 bases deleted (GTTAAAAGGATGTT).
Molecular consequence: splice acceptor variant.
Genome position (GRCh38, 1-based): chr12:101,770,186-101,770,199, AACATCCTTTTAAC deleted on the plus strand (GTTAAAAGGATGTT on the coding strand, the reverse complement: GNPTAB is on the minus strand); deleting any 14 consecutive bases within chr12:101,770,186-101,770,203 gives the same sequence; the c. name uses the placement nearest the transcript's 3' end. VCF-style (leftmost placement, unchanged base first): chr12-101770185-AAACATCCTTTTAAC-A. GRCh37 (hg19) VCF-style: chr12-102163963-AAACATCCTTTTAAC-A.
Identifiers: ClinVar variation 1513009 (VCV001513009.6), dbSNP rs2137123733, ClinGen allele CA2573147962.